The following is an entry in ClinVar:

NM_001003699.4(RREB1):c.12T>A (p.Ser4Arg)

Gene: RREB1 (ras responsive element binding protein 1; plus strand). Cytogenetic location: 6p24.3.
Variant type: single nucleotide variant.
Coding change: c.12T>A on transcript NM_001003699.4 (MANE Select); coding-DNA position 12, T replaced by A.
Protein change: p.Ser4Arg; replaces serine 4 with arginine.
Molecular consequence: missense variant.
Genome position (GRCh38, 1-based): chr6:7,181,923, T>A. VCF-style: chr6-7181923-T-A. GRCh37 (hg19) VCF-style: chr6-7182156-T-A.
Other names: c.12T>A, p.Ser4Arg (NM_001003698.4, NM_001003700.2, NM_001168344.2); short protein forms S4R.
Identifiers: ClinVar variation 4538198 (VCV004538198.1).

ClinVar aggregate classification (germline): Uncertain significance (1 of 4 stars; one submission).

gnomAD v4.1: 1 of 1,614,150 alleles (0.000062%); highest among the groups gnomAD compares: African/African-American, 0.0013%; no homozygotes.

Submission:

Greenwood Genetic Center Diagnostic Laboratories, Greenwood Genetic Center
Classification: Uncertain significance. Last evaluated: 2025-04-30. Review status: criteria provided, single submitter. Criteria: ACMG Guidelines, 2015. Collection method: clinical testing. Allele origin: germline. Affected: yes.
Comment: Gene of Uncertain Significance